The following is an entry in ClinVar:

ClinVar aggregate classification (germline): Uncertain significance (1 of 4 stars; one submission).

Allele frequency attached by ClinVar (database versions not stated): TOPMed below 0.00001; ExAC 0.00002.

Submission:

Labcorp Genetics (formerly Invitae), Labcorp
Classification: Uncertain significance. Last evaluated: 2024-04-15. Review status: criteria provided, single submitter. Criteria: Invitae Variant Classification Sherloc (09022015). Collection method: clinical testing. Allele origin: germline.
Comment: This sequence change replaces glutamic acid, which is acidic and polar, with aspartic acid, which is acidic and polar, at codon 439 of the DRP2 protein (p.Glu439Asp). This variant is present in population databases (rs757275375, gnomAD 0.02%). This variant has not been reported in the literature in individuals affected with DRP2-related conditions. ClinVar contains an entry for this variant (Variation ID: 1911517). An algorithm developed to predict the effect of missense changes on protein structure and function (PolyPhen-2) suggests that this variant is likely to be tolerated. In summary, the available evidence is currently insufficient to determine the role of this variant in disease. Therefore, it has been classified as a Variant of Uncertain Significance.

NM_001939.3(DRP2):c.1317G>C (p.Glu439Asp)

Gene: DRP2 (dystrophin related protein 2; plus strand). Cytogenetic location: Xq22.1.
Variant type: single nucleotide variant.
Coding change: c.1317G>C on transcript NM_001939.3 (MANE Select); coding-DNA position 1317, G replaced by C.
Protein change: p.Glu439Asp; replaces glutamic acid 439 with aspartic acid.
Molecular consequence: missense variant.
Genome position (GRCh38, 1-based): chrX:101,248,153, G>C. VCF-style: chrX-101248153-G-C. GRCh37 (hg19) VCF-style: chrX-100503142-G-C.
Other names: c.1083G>C, p.Glu361Asp (NM_001171184.2); short protein forms E361D, E439D.
Identifiers: ClinVar variation 1911517 (VCV001911517.5), dbSNP rs757275375, ClinGen allele CA10472250.